The following is an entry in ClinVar:

ClinVar aggregate classification (germline): Uncertain significance. Review status: criteria provided, multiple submitters, no conflicts (2 of 4 stars). 2 submissions from 2 submitters: Uncertain significance (2). Last evaluated 2025-12-11.

Allele frequency attached by ClinVar (database versions not stated): TOPMed below 0.00001; gnomAD exomes below 0.00001.
gnomAD v4.1: 1 of 1,584,856 alleles (0.000063%); highest among the groups gnomAD compares: Admixed American, 0.0018%; no homozygotes.

Submissions (2):

Labcorp Genetics (formerly Invitae), Labcorp
Classification: Uncertain significance. Last evaluated: 2025-12-11. Review status: criteria provided, single submitter. Criteria: Invitae Variant Classification Sherloc (09022015). Collection method: clinical testing. Allele origin: germline.
Comment: This sequence change replaces lysine, which is basic and polar, with isoleucine, which is neutral and non-polar, at codon 1837 of the MPDZ protein (p.Lys1837Ile). This variant is not present in population databases (gnomAD no frequency). This variant has not been reported in the literature in individuals affected with MPDZ-related conditions. ClinVar contains an entry for this variant (Variation ID: 1462835). An algorithm developed to predict the effect of missense changes on protein structure and function (PolyPhen-2) suggests that this variant is likely to be disruptive. In summary, the available evidence is currently insufficient to determine the role of this variant in disease. Therefore, it has been classified as a Variant of Uncertain Significance.

GeneDx
Classification: Uncertain significance. Last evaluated: 2023-12-13. Review status: criteria provided, single submitter. Criteria: GeneDx Variant Classification Process June 2021. Collection method: clinical testing. Allele origin: germline. Affected: yes.
Comment: In silico analysis supports that this missense variant has a deleterious effect on protein structure/function; Has not been previously published as pathogenic or benign to our knowledge

NM_001378778.1(MPDZ):c.5597A>T (p.Lys1866Ile)

Gene: MPDZ (multiple PDZ domain crumbs cell polarity complex component; minus strand). Cytogenetic location: 9p23.
Variant type: single nucleotide variant.
Coding change: c.5597A>T on transcript NM_001378778.1 (MANE Select); coding-DNA position 5597, A replaced by T.
Protein change: p.Lys1866Ile; replaces lysine 1866 with isoleucine.
Molecular consequence: missense variant.
Genome position (GRCh38, 1-based): chr9:13,113,015, T>A on the plus strand (A>T on the coding strand, the complement: MPDZ is on the minus strand). VCF-style: chr9-13113015-T-A. GRCh37 (hg19) VCF-style: chr9-13113014-T-A.
Other names: c.5498A>T, p.Lys1833Ile (NM_001261406.2, NM_001375416.1, NM_001375417.1 and 1 more transcripts); c.5411A>T, p.Lys1804Ile (NM_001261407.2, NM_001375419.1); c.5597A>T, p.Lys1866Ile (NM_001330637.2); c.5696A>T, p.Lys1899Ile (NM_001375413.1); c.5510A>T (NM_003829.4); c.5387A>T, p.Lys1796Ile (NM_001375420.1, NM_001375421.1, NM_001375422.1 and 2 more transcripts); c.5300A>T, p.Lys1767Ile (NM_001375425.1, NM_001375426.1); c.5189A>T, p.Lys1730Ile (NM_001375427.1); and 1 more; short protein forms K1767I, K1796I, K1833I, K1730I, K1804I, K1837I, K1866I, K1899I.
Identifiers: ClinVar variation 1462835 (VCV001462835.7), dbSNP rs1305620185, ClinGen allele CA372941688.
Genomic context (GRCh38, chr9:13,113,015, plus strand): 5'-TATGAAGATGTCTCTTAAAACGCCAGGGTTTATATTGTTTTCTCTCCCCAAGTTACCTTT[T>A]TCATTTCGACTGTTCTTAATCCCTGTATTTCAGATGCCACTGTAAAGGCAAAAAAGATAA-3'
Protein context (NP_001365707.1, residues 1856-1876): EIQGLRTVEM[Lys1866Ile]KGPTDSLGIS